The following is an entry in ClinVar:

NM_005412.6(SHMT2):c.1042C>T (p.Arg348Trp)

Gene: SHMT2 (serine hydroxymethyltransferase 2; plus strand). Cytogenetic location: 12q13.3.
Variant type: single nucleotide variant.
Coding change: c.1042C>T on transcript NM_005412.6 (MANE Select); coding-DNA position 1042, C replaced by T.
Protein change: p.Arg348Trp; replaces arginine 348 with tryptophan.
Molecular consequence: missense variant. On other transcripts: non-coding transcript variant (4).
Genome position (GRCh38, 1-based): chr12:57,233,581, C>T. VCF-style: chr12-57233581-C-T. GRCh37 (hg19) VCF-style: chr12-57627364-C-T.
Other names: c.1012C>T, p.Arg338Trp (NM_001166356.2); c.979C>T, p.Arg327Trp (NM_001166357.1, NM_001166358.2, NM_001166359.1); short protein forms R327W, R348W, R338W.
Identifiers: ClinVar variation 2545842 (VCV002545842.3), dbSNP rs755497969, ClinGen allele CA6646558.
Genomic context (GRCh38, chr12:57,233,581, plus strand): 5'-GGTCCAGGCCTAGGGTGACAGCTGCTACTGTCTCATCTCCAGGCCTGCACCCCCATGTTC[C>T]GGGAGTACTCCCTGCAGGTTCTGAAGAATGCTCGGGCCATGGCAGATGCCCTGCTAGAGC-3'
Protein context (NP_005403.2, residues 338-358): ALKQACTPMF[Arg348Trp]EYSLQVLKNA

ClinVar aggregate classification (germline): Uncertain significance. Review status: criteria provided, multiple submitters, no conflicts (2 of 4 stars). 2 submissions from 2 submitters: Uncertain significance (2). Last evaluated 2024-12-27.

Conditions:
SHMT2-related disorder. Also called: SHMT2-related condition.
Inborn genetic diseases. Identifiers: MedGen C0950123, MeSH D030342.

Allele frequency attached by ClinVar (database versions not stated): TOPMed below 0.00001; gnomAD 0.00001; gnomAD exomes 0.00002; ExAC 0.00004.
gnomAD v4.1: 29 of 1,613,760 alleles (0.0018%); highest among the groups gnomAD compares: East Asian, 0.0022%; no homozygotes.

Submissions (2):

PreventionGenetics, part of Exact Sciences
Classification: Uncertain significance for SHMT2-related condition. Last evaluated: 2024-12-27. Review status: criteria provided, single submitter. Criteria: ACMG Guidelines, 2015. Collection method: clinical testing. Allele origin: germline.
Comment: The SHMT2 c.1042C>T variant is predicted to result in the amino acid substitution p.Arg348Trp. To our knowledge, this variant has not been reported in the literature. This variant is reported in 0.0053% of alleles in individuals of European (Non-Finnish) descent in gnomAD. At this time, the clinical significance of this variant is uncertain due to the absence of conclusive functional and genetic evidence.

Ambry Genetics
Classification: Uncertain significance for Inborn genetic diseases. Last evaluated: 2023-05-09. Review status: criteria provided, single submitter. Criteria: Ambry Variant Classification Scheme 2023. Collection method: clinical testing. Allele origin: germline.